The following is an entry in ClinVar:

NM_002067.5(GNA11):c.705C>T (p.Tyr235=)

Gene: GNA11 (G protein subunit alpha 11; plus strand). Cytogenetic location: 19p13.3.
Variant type: single nucleotide variant.
Coding change: c.705C>T on transcript NM_002067.5 (MANE Select); coding-DNA position 705, C replaced by T.
Protein change: p.Tyr235=; no amino-acid change (tyrosine 235 retained).
Molecular consequence: synonymous variant.
Genome position (GRCh38, 1-based): chr19:3,119,023, C>T. VCF-style: chr19-3119023-C-T. GRCh37 (hg19) VCF-style: chr19-3119021-C-T.
Identifiers: ClinVar variation 714387 (VCV000714387.16), dbSNP rs138168314, ClinGen allele CA9074968.

ClinVar aggregate classification (germline): Likely benign. Review status: criteria provided, multiple submitters, no conflicts (2 of 4 stars). 6 submissions from 6 submitters: Likely benign (5). 1 of the submissions does not count toward it. Last evaluated 2025-12-16.

Conditions:
GNA11-related disorder. Also called: GNA11-related condition.
Familial hypocalciuric hypercalcemia 2. Also called: FAMILIAL BENIGN HYPERCALCEMIA, TYPE II; Hypocalciuric hypercalcemia, familial, type II; Hypocalciuric hypercalcemia, type II. Identifiers: Orphanet 101049, Orphanet 405, MedGen C1840347, MONDO:0007792, OMIM 145981.
Autosomal dominant hypocalcemia 2. Identifiers: Orphanet 2238, Orphanet 428, MedGen C3809243, MONDO:0014146, OMIM 615361.

Allele frequency attached by ClinVar (database versions not stated): 1000 Genomes Project 30x 0.00031; 1000 Genomes Project 0.00040; ExAC 0.00044; gnomAD exomes 0.00053 and 0.00130; gnomAD 0.00089 and 0.00091; ESP Exome Variant Server 0.00092; TOPMed 0.00102.

Submissions (6):

Labcorp Genetics (formerly Invitae), Labcorp
Classification: Likely benign. Last evaluated: 2025-12-16. Review status: criteria provided, single submitter. Criteria: Invitae Variant Classification Sherloc (09022015). Collection method: clinical testing. Allele origin: germline.

Center for Genomic Medicine, Rigshospitalet, Copenhagen University Hospital
Classification: Likely benign. Last evaluated: 2025-03-04. Review status: criteria provided, single submitter. Criteria: ACMG Guidelines, 2015. Collection method: clinical testing. Allele origin: germline.

Blueprint Genetics
Classification: Likely benign. Last evaluated: 2024-11-06. Review status: criteria provided, single submitter. Criteria: ACMG Guidelines, 2015. Collection method: clinical testing. Allele origin: germline.

Fulgent Genetics
Classification: Likely benign for Familial hypocalciuric hypercalcemia 2; Autosomal dominant hypocalcemia 2. Last evaluated: 2021-07-26. Review status: criteria provided, single submitter. Criteria: ACMG Guidelines, 2015. Collection method: clinical testing. Allele origin: unknown.

Breakthrough Genomics
Classification: Likely benign. Review status: criteria provided, single submitter. Criteria: ACMG Guidelines, 2015. Collection method: not provided. Allele origin: germline. Inheritance: Autosomal dominant inheritance. Affected: yes.

PreventionGenetics, part of Exact Sciences
Classification: Likely benign for GNA11-related condition. Last evaluated: 2020-01-03. Review status: no assertion criteria provided. Collection method: clinical testing. Allele origin: germline. Not counted in ClinVar's aggregate classification.
Comment: This variant is classified as likely benign based on ACMG/AMP sequence variant interpretation guidelines (Richards et al. 2015 PMID: 25741868, with internal and published modifications).